The following is an entry in ClinVar:

NM_001282933.2(ZNF341):c.1395C>T (p.Thr465=)

Gene: ZNF341 (zinc finger protein 341; plus strand). Cytogenetic location: 20q11.22.
Variant type: single nucleotide variant.
Coding change: c.1395C>T on transcript NM_001282933.2 (MANE Select); coding-DNA position 1395, C replaced by T.
Protein change: p.Thr465=; no amino-acid change (threonine 465 retained).
Molecular consequence: synonymous variant. On other transcripts: non-coding transcript variant (1).
Genome position (GRCh38, 1-based): chr20:33,767,023, C>T. VCF-style: chr20-33767023-C-T. GRCh37 (hg19) VCF-style: chr20-32354829-C-T.
Other names: c.1125C>T, p.Thr375= (NM_001282935.2); c.1374C>T, p.Thr458= (NM_032819.5).
Identifiers: ClinVar variation 2183636 (VCV002183636.28), dbSNP rs2019421540, ClinGen allele CA510261595.

ClinVar aggregate classification (germline): Likely benign. Review status: criteria provided, multiple submitters, no conflicts (2 of 4 stars). 2 submissions from 2 submitters: Likely benign (2). Last evaluated 2025-07-21.

Allele frequency attached by ClinVar (database versions not stated): gnomAD exomes below 0.00001.
gnomAD v4.1: 2 of 1,613,434 alleles (0.00012%); highest among the groups gnomAD compares: Non-Finnish European, 0.000085%; no homozygotes.

Submissions (2):

Labcorp Genetics (formerly Invitae), Labcorp
Classification: Likely benign. Last evaluated: 2025-07-21. Review status: criteria provided, single submitter. Criteria: Invitae Variant Classification Sherloc (09022015). Collection method: clinical testing. Allele origin: germline.

CeGaT Center for Human Genetics Tuebingen
Classification: Likely benign. Last evaluated: 2022-05-01. Review status: criteria provided, single submitter. Criteria: CeGaT Center For Human Genetics Tuebingen Variant Classification Criteria Version 2. Collection method: clinical testing. Allele origin: germline. Affected: yes. Observed: 1 variant allele.
Comment: ZNF341: PM2:Supporting, BP4, BP7